The following is an entry in ClinVar:

NM_004525.3(LRP2):c.13853C>T (p.Ser4618Leu)

Gene: LRP2 (LDL receptor related protein 2; minus strand). Cytogenetic location: 2q31.1.
Variant type: single nucleotide variant.
Coding change: c.13853C>T on transcript NM_004525.3 (MANE Select); coding-DNA position 13853, C replaced by T.
Protein change: p.Ser4618Leu; replaces serine 4618 with leucine.
Molecular consequence: missense variant.
Genome position (GRCh38, 1-based): chr2:169,128,778, G>A on the plus strand (C>T on the coding strand, the complement: LRP2 is on the minus strand). VCF-style: chr2-169128778-G-A. GRCh37 (hg19) VCF-style: chr2-169985288-G-A.
Other names: c.13853C>T (NM_004525.2); short protein forms S4618L.
Identifiers: ClinVar variation 1405626 (VCV001405626.7), dbSNP rs142430940, ClinGen allele CA59911130.

ClinVar aggregate classification (germline): Uncertain significance. Review status: criteria provided, multiple submitters, no conflicts (2 of 4 stars). 3 submissions from 3 submitters: Uncertain significance (3). Last evaluated 2025-02-07.

Conditions:
Donnai-Barrow syndrome. Also called: DBS/FOAR SYNDROME; FACIOOCULOACOUSTICORENAL SYNDROME. Identifiers: Orphanet 2143, MedGen C1857277, MONDO:0009104, OMIM 222448.
Inborn genetic diseases. Identifiers: MedGen C0950123, MeSH D030342.

Allele frequency attached by ClinVar (database versions not stated): gnomAD 0.00002; gnomAD exomes 0.00002; TOPMed 0.00004; ESP Exome Variant Server 0.00015.
gnomAD v4.1: 42 of 1,613,972 alleles (0.0026%); highest among the groups gnomAD compares: Non-Finnish European, 0.0031%; no homozygotes.

Submissions (3):

Ambry Genetics
Classification: Uncertain significance for Inborn genetic diseases. Last evaluated: 2025-02-07. Review status: criteria provided, single submitter. Criteria: Ambry Variant Classification Scheme 2023. Collection method: clinical testing. Allele origin: germline.

Fulgent Genetics
Classification: Uncertain significance for Donnai-Barrow syndrome. Last evaluated: 2022-04-22. Review status: criteria provided, single submitter. Criteria: ACMG Guidelines, 2015. Collection method: clinical testing. Allele origin: unknown.

Labcorp Genetics (formerly Invitae), Labcorp
Classification: Uncertain significance. Last evaluated: 2021-09-01. Review status: criteria provided, single submitter. Criteria: Invitae Variant Classification Sherloc (09022015). Collection method: clinical testing. Allele origin: germline.
Comment: This sequence change replaces serine with leucine at codon 4618 of the LRP2 protein (p.Ser4618Leu). The serine residue is highly conserved and there is a large physicochemical difference between serine and leucine. This variant is not present in population databases (ExAC no frequency). This variant has not been reported in the literature in individuals affected with LRP2-related conditions. Advanced modeling of protein sequence and biophysical properties (such as structural, functional, and spatial information, amino acid conservation, physicochemical variation, residue mobility, and thermodynamic stability) performed at Invitae indicates that this missense variant is not expected to disrupt LRP2 protein function. In summary, the available evidence is currently insufficient to determine the role of this variant in disease. Therefore, it has been classified as a Variant of Uncertain Significance.